The following is an entry in ClinVar:

ClinVar aggregate classification (germline): Likely pathogenic (1 of 4 stars; one submission).

Conditions:
MANBA-related disorder. Also called: MANBA-related condition.

Submission:

PreventionGenetics, part of Exact Sciences
Classification: Likely pathogenic for MANBA-related condition. Last evaluated: 2023-08-03. Review status: criteria provided, single submitter. Criteria: ACMG Guidelines, 2015. Collection method: clinical testing. Allele origin: germline.
Comment: The MANBA c.210_213delinsTCTGTAGTTAAGAGAACCCATCTG variant is predicted to result in a frameshift and premature protein termination (p.Arg71Leufs*2). To our knowledge, this variant has not been reported in the literature or in a large population database, indicating this variant is rare. Frameshift variants in MANBA are expected to be pathogenic. This variant is interpreted as likely pathogenic.

NM_005908.4(MANBA):c.210_213delinsTCTGTAGTTAAGAGAACCCATCTG (p.Arg71delinsLeuTer)

Gene: MANBA (mannosidase beta; minus strand). Cytogenetic location: 4q24.
Variant type: Indel.
Coding change: c.210_213delinsTCTGTAGTTAAGAGAACCCATCTG on transcript NM_005908.4 (MANE Select); coding-DNA positions 210 to 213, CAGA replaced by TCTGTAGTTAAGAGAACCCATCTG.
Protein change: p.Arg71delinsLeuTer.
Molecular consequence: nonsense.
Genome position (GRCh38, 1-based): chr4:102,726,648-102,726,651, TCTG replaced by CAGATGGGTTCTCTTAACTACAGA on the plus strand (CAGA replaced by TCTGTAGTTAAGAGAACCCATCTG on the coding strand, the reverse complement: MANBA is on the minus strand). VCF-style: chr4-102726648-TCTG-CAGATGGGTTCTCTTAACTACAGA. GRCh37 (hg19) VCF-style: chr4-103647805-TCTG-CAGATGGGTTCTCTTAACTACAGA.
Identifiers: ClinVar variation 2631182 (VCV002631182.1), dbSNP rs2476919187, ClinGen allele CA2695198508.
Genomic context (GRCh38, chr4:102,726,648, plus strand): 5'-CCTAATTTCAAAGGGGATTTTAAATTCTTTGCTATAGGTCCAGTTATCCAAAGAGACCCA[TCTG>CAGATGGGTTCTCTTAACTACAGA]TAGTTAAGGTCATTAAATCTGTAGTAAGAATCCTGTTGATACAAGGTAAAAATTATGGTA-3'